The following is an entry in ClinVar:

ClinVar aggregate classification (germline): Uncertain significance (1 of 4 stars; one submission).

gnomAD v4.1: 1 of 1,550,914 alleles (0.000064%); highest among the groups gnomAD compares: Admixed American, 0.002%; no homozygotes.

Submission:

GeneDx
Classification: Uncertain significance. Last evaluated: 2026-01-27. Review status: criteria provided, single submitter. Criteria: GeneDx Variant Classification Process June 2021. Collection method: clinical testing. Allele origin: germline.
Comment: Not observed at significant frequency in large population cohorts (gnomAD); In silico analysis suggests that this missense variant does not alter protein structure/function; Has not been previously published as pathogenic or benign to our knowledge

NM_001292063.2(OTOG):c.598C>A (p.Leu200Ile)

Gene: OTOG (otogelin; plus strand). Cytogenetic location: 11p15.1.
Variant type: single nucleotide variant.
Coding change: c.598C>A on transcript NM_001292063.2 (MANE Select); coding-DNA position 598, C replaced by A.
Protein change: p.Leu200Ile; replaces leucine 200 with isoleucine.
Molecular consequence: missense variant.
Genome position (GRCh38, 1-based): chr11:17,555,836, C>A. VCF-style: chr11-17555836-C-A. GRCh37 (hg19) VCF-style: chr11-17577383-C-A.
Other names: c.634C>A, p.Leu212Ile (NM_001277269.2); short protein forms L200I, L212I.
Identifiers: ClinVar variation 4975387 (VCV004975387.1).
Genomic context (GRCh38, chr11:17,555,836, plus strand): 5'-CAGGTACACAATGACCCGCAGTGTGGCTCTTCACCCTACACCTGCTCCAGGGCTGTCAGC[C>A]TCTTCTTTGTGGGTGAGCAGGAGATCCATCTGGCCAAGGAGGTCACCCATGGAGGCATGA-3'
Protein context (NP_001278992.1, residues 190-210): SPYTCSRAVS[Leu200Ile]FFVGEQEIHL